The following is an entry in ClinVar:

NM_006164.5(NFE2L2):c.779C>T (p.Thr260Ile)

Gene: NFE2L2 (NFE2 like bZIP transcription factor 2; minus strand). Cytogenetic location: 2q31.2.
Variant type: single nucleotide variant.
Coding change: c.779C>T on transcript NM_006164.5 (MANE Select); coding-DNA position 779, C replaced by T.
Protein change: p.Thr260Ile; replaces threonine 260 with isoleucine.
Molecular consequence: missense variant.
Genome position (GRCh38, 1-based): chr2:177,231,824, G>A on the plus strand (C>T on the coding strand, the complement: NFE2L2 is on the minus strand). VCF-style: chr2-177231824-G-A. GRCh37 (hg19) VCF-style: chr2-178096552-G-A.
Other names: c.731C>T, p.Thr244Ile (NM_001145412.3, NM_001313900.1, NM_001313901.1); c.710C>T, p.Thr237Ile (NM_001145413.3); c.689C>T, p.Thr230Ile (NM_001313902.2); c.560C>T, p.Thr187Ile (NM_001313903.2); c.479C>T, p.Thr160Ile (NM_001313904.1); short protein forms T160I, T187I, T230I, T237I, T244I, T260I.
Identifiers: ClinVar variation 1002295 (VCV001002295.8), dbSNP rs776472261, ClinGen allele CA1979799.

ClinVar aggregate classification (germline): Uncertain significance (1 of 4 stars; one submission).

gnomAD v4.1: 3 of 1,614,198 alleles (0.00019%); highest among the groups gnomAD compares: Non-Finnish European, 0.00025%; no homozygotes.

Submission:

Labcorp Genetics (formerly Invitae), Labcorp
Classification: Uncertain significance. Last evaluated: 2024-06-12. Review status: criteria provided, single submitter. Criteria: Invitae Variant Classification Sherloc (09022015). Collection method: clinical testing. Allele origin: germline.
Comment: This sequence change replaces threonine, which is neutral and polar, with isoleucine, which is neutral and non-polar, at codon 260 of the NFE2L2 protein (p.Thr260Ile). This variant is present in population databases (rs776472261, gnomAD 0.0009%). This variant has not been reported in the literature in individuals affected with NFE2L2-related conditions. ClinVar contains an entry for this variant (Variation ID: 1002295). Advanced modeling of protein sequence and biophysical properties (such as structural, functional, and spatial information, amino acid conservation, physicochemical variation, residue mobility, and thermodynamic stability) performed at Invitae indicates that this missense variant is not expected to disrupt NFE2L2 protein function with a negative predictive value of 80%. In summary, the available evidence is currently insufficient to determine the role of this variant in disease. Therefore, it has been classified as a Variant of Uncertain Significance.